The following is an entry in ClinVar:

NM_004380.3(CREBBP):c.2695C>G (p.Pro899Ala)

Gene: CREBBP (CREB binding lysine acetyltransferase; minus strand). Cytogenetic location: 16p13.3.
Variant type: single nucleotide variant.
Coding change: c.2695C>G on transcript NM_004380.3 (MANE Select); coding-DNA position 2695, C replaced by G.
Protein change: p.Pro899Ala; replaces proline 899 with alanine.
Molecular consequence: missense variant.
Genome position (GRCh38, 1-based): chr16:3,770,755, G>C on the plus strand (C>G on the coding strand, the complement: CREBBP is on the minus strand). VCF-style: chr16-3770755-G-C. GRCh37 (hg19) VCF-style: chr16-3820756-G-C.
Other names: c.2695C>G (NM_004380.2); c.2581C>G, p.Pro861Ala (NM_001079846.1); short protein forms P899A, P861A.
Identifiers: ClinVar variation 501514 (VCV000501514.11), dbSNP rs1186080322, ClinGen allele CA394551145.

ClinVar aggregate classification (germline): Uncertain significance. Review status: criteria provided, multiple submitters, no conflicts (2 of 4 stars). 4 submissions from 4 submitters: Uncertain significance (4). Last evaluated 2026-04-20.

Conditions:
Rubinstein-Taybi syndrome (RSTS). Identifiers: Orphanet 783, MedGen C0035934, MONDO:0019188.
Inborn genetic diseases. Identifiers: MedGen C0950123, MeSH D030342.

Allele frequency attached by ClinVar (database versions not stated): TOPMed below 0.00001; gnomAD 0.00001.
gnomAD v4.1: 2 of 1,614,016 alleles (0.00012%); highest among the groups gnomAD compares: Admixed American, 0.0033%; no homozygotes.

Submissions (4):

Ambry Genetics
Classification: Uncertain significance for Inborn genetic diseases. Last evaluated: 2026-04-20. Review status: criteria provided, single submitter. Criteria: Ambry Variant Classification Scheme 2023. Collection method: clinical testing. Allele origin: germline.

GeneDx
Classification: Uncertain significance. Last evaluated: 2025-02-26. Review status: criteria provided, single submitter. Criteria: GeneDx Variant Classification Process June 2021. Collection method: clinical testing. Allele origin: germline. Affected: yes.
Comment: Has not been previously published as pathogenic or benign to our knowledge; Not observed at significant frequency in large population cohorts (gnomAD); In silico analysis supports that this missense variant has a deleterious effect on protein structure/function

Labcorp Genetics (formerly Invitae), Labcorp
Classification: Uncertain significance for Rubinstein-Taybi syndrome. Last evaluated: 2022-11-08. Review status: criteria provided, single submitter. Criteria: Invitae Variant Classification Sherloc (09022015). Collection method: clinical testing. Allele origin: germline.
Comment: This variant is not present in population databases (gnomAD no frequency). This sequence change replaces proline, which is neutral and non-polar, with alanine, which is neutral and non-polar, at codon 899 of the CREBBP protein (p.Pro899Ala). This variant has not been reported in the literature in individuals affected with CREBBP-related conditions. ClinVar contains an entry for this variant (Variation ID: 501514). Advanced modeling of protein sequence and biophysical properties (such as structural, functional, and spatial information, amino acid conservation, physicochemical variation, residue mobility, and thermodynamic stability) performed at Invitae indicates that this missense variant is not expected to disrupt CREBBP protein function. In summary, the available evidence is currently insufficient to determine the role of this variant in disease. Therefore, it has been classified as a Variant of Uncertain Significance.

Eurofins Ntd Llc (ga)
Classification: Uncertain significance. Last evaluated: 2017-04-18. Review status: criteria provided, single submitter. Criteria: EGL Classification Definitions 2015. Collection method: clinical testing. Allele origin: germline. Observed: 1 variant allele, 1 heterozygote.